The following is an entry in ClinVar:

ClinVar aggregate classification (germline): Uncertain significance (1 of 4 stars; one submission).

Conditions:
Inborn genetic diseases. Identifiers: MedGen C0950123, MeSH D030342.

Submission:

Ambry Genetics
Classification: Uncertain significance for Inborn genetic diseases. Last evaluated: 2026-03-31. Review status: criteria provided, single submitter. Criteria: Ambry Variant Classification Scheme 2023. Collection method: clinical testing. Allele origin: germline.
Comment: The p.I201V variant (also known as c.601A>G), located in coding exon 7 of the DDX41 gene, results from an A to G substitution at nucleotide position 601. The isoleucine at codon 201 is replaced by valine, an amino acid with highly similar properties. This amino acid position is conserved. In addition, this alteration is predicted to be tolerated by in silico analysis. Based on the available evidence, the clinical significance of this variant remains unclear.

NM_016222.4(DDX41):c.601A>G (p.Ile201Val)

Gene: DDX41 (DEAD-box helicase 41; minus strand). Cytogenetic location: 5q35.3.
Variant type: single nucleotide variant.
Coding change: c.601A>G on transcript NM_016222.4 (MANE Select); coding-DNA position 601, A replaced by G.
Protein change: p.Ile201Val; replaces isoleucine 201 with valine.
Molecular consequence: missense variant.
Genome position (GRCh38, 1-based): chr5:177,515,229, T>C on the plus strand (A>G on the coding strand, the complement: DDX41 is on the minus strand). VCF-style: chr5-177515229-T-C. GRCh37 (hg19) VCF-style: chr5-176942230-T-C.
Other names: c.223A>G, p.Ile75Val (NM_001321732.2, NM_001321830.2); short protein forms I201V, I75V.
Identifiers: ClinVar variation 4869633 (VCV004869633.1).